The following is an entry in ClinVar:

NM_006767.4(LZTR1):c.1943-3C>G

Gene: LZTR1 (leucine zipper like post translational regulator 1; plus strand). Cytogenetic location: 22q11.21.
Variant type: single nucleotide variant.
Coding change: c.1943-3C>G on transcript NM_006767.4 (MANE Select); 3 bases into the intron before coding-DNA position 1943, C replaced by G.
Molecular consequence: intron variant.
Genome position (GRCh38, 1-based): chr22:20,995,743, C>G. VCF-style: chr22-20995743-C-G. GRCh37 (hg19) VCF-style: chr22-21350032-C-G.
Other names: c.1943-3C>G (NM_006767.3).
Identifiers: ClinVar variation 2683559 (VCV002683559.5), dbSNP rs979727897, ClinGen allele CA1024231914.

ClinVar aggregate classification (germline): Conflicting classifications of pathogenicity. Review status: criteria provided, conflicting classifications (1 of 4 stars). 3 submissions from 3 submitters: Likely pathogenic (1); Uncertain significance (2). Last evaluated 2025-05-16.

Conditions:
Cardiovascular phenotype. Identifiers: MedGen CN230736.
Hereditary cancer-predisposing syndrome. Also called: Neoplastic Syndromes, Hereditary; Hereditary Cancer Syndrome; Tumor predisposition; Hereditary neoplastic syndrome. Identifiers: Orphanet 140162, MedGen C0027672, MeSH D009386, MONDO:0015356.

Allele frequency attached by ClinVar (database versions not stated): gnomAD 0.00001.
gnomAD v4.1: 6 of 1,613,404 alleles (0.00037%); highest among the groups gnomAD compares: African/African-American, 0.0027%; no homozygotes.

Submissions (3):

Ambry Genetics
Classification: Likely pathogenic for Cardiovascular phenotype; Hereditary cancer-predisposing syndrome. Last evaluated: 2025-05-16. Review status: criteria provided, single submitter. Criteria: Ambry Variant Classification Scheme 2023. Collection method: clinical testing. Allele origin: germline.
Comment: The c.1943-3C>G intronic variant results from a C to G substitution 3 nucleotides upstream from coding exon 17 in the LZTR1 gene. This nucleotide position is not well conserved in available vertebrate species. In silico splice site analysis predicts that this alteration may weaken the native splice acceptor site and may result in the creation or strengthening of a novel splice acceptor site. RNA studies have demonstrated that this alteration results in abnormal splicing in the set of samples tested (Ambry internal data). Loss-of-function variants in LZTR1 are related to an increased risk for schwannomas and autosomal recessive Noonan syndrome; however, such associations with autosomal dominant Noonan syndrome have not been observed (Piotrowski A et al. Nat Genet. 2014 Feb;46:182-7; Yamamoto GL et al. J Med Genet. 2015 Jun;52:413-21; Johnston JJ et al. Genet Med. 2018 10;20:1175-1185). Based on the supporting evidence, this variant is likely pathoge nic for an increased risk of LZTR1-related schwannomatosis (SWN) and would be expected to cause autosomal recessive Noonan syndrome when present along with a second pathogenic or likely pathogenic variant on the other allele; however, the association of this alteration with autosomal dominant Noonan syndrome is unlikely.

Labcorp Genetics (formerly Invitae), Labcorp
Classification: Uncertain significance. Last evaluated: 2024-10-02. Review status: criteria provided, single submitter. Criteria: Invitae Variant Classification Sherloc (09022015). Collection method: clinical testing. Allele origin: germline.
Comment: This sequence change falls in intron 16 of the LZTR1 gene. It does not directly change the encoded amino acid sequence of the LZTR1 protein. It affects a nucleotide within the consensus splice site. This variant is not present in population databases (gnomAD no frequency). This variant has not been reported in the literature in individuals affected with LZTR1-related conditions. Variants that disrupt the consensus splice site are a relatively common cause of aberrant splicing (PMID: 17576681, 9536098). Algorithms developed to predict the effect of sequence changes on RNA splicing suggest that this variant may disrupt the consensus splice site. In summary, the available evidence is currently insufficient to determine the role of this variant in disease. Therefore, it has been classified as a Variant of Uncertain Significance.

Mayo Clinic Laboratories, Mayo Clinic
Classification: Uncertain significance. Last evaluated: 2023-02-01. Review status: criteria provided, single submitter. Criteria: ACMG Guidelines, 2015. Collection method: clinical testing. Allele origin: germline. Observed: 1 variant allele.
Comment: PM2_supporting

Literature cited by the submitters: PubMed 17576681 (cited by Labcorp Genetics (formerly Invitae), Labcorp); PubMed 9536098 (cited by Labcorp Genetics (formerly Invitae), Labcorp).